The following is an entry in ClinVar:

ClinVar aggregate classification (germline): Conflicting classifications of pathogenicity. Review status: criteria provided, conflicting classifications (1 of 4 stars). 2 submissions from 2 submitters: Uncertain significance (1); Likely benign (1). Last evaluated 2025-05-24.

Conditions:
Cardiovascular phenotype. Identifiers: MedGen CN230736.

gnomAD v4.1: 1 of 1,614,170 alleles (0.000062%); highest among the groups gnomAD compares: African/African-American, 0.0013%; no homozygotes.

Submissions (2):

Ambry Genetics
Classification: Likely benign for Cardiovascular phenotype. Last evaluated: 2025-05-24. Review status: criteria provided, single submitter. Criteria: Ambry Variant Classification Scheme 2023. Collection method: clinical testing. Allele origin: germline.

GeneDx
Classification: Uncertain significance. Last evaluated: 2024-03-06. Review status: criteria provided, single submitter. Criteria: GeneDx Variant Classification Process June 2021. Collection method: clinical testing. Allele origin: germline. Affected: yes.
Comment: Not observed at significant frequency in large population cohorts (gnomAD); In silico analysis supports that this variant does not alter splicing; Has not been previously published as pathogenic or benign to our knowledge

NM_000214.3(JAG1):c.504G>A (p.Gln168=)

Gene: JAG1 (jagged canonical Notch ligand 1; minus strand). Cytogenetic location: 20p12.2.
Variant type: single nucleotide variant.
Coding change: c.504G>A on transcript NM_000214.3 (MANE Select); coding-DNA position 504, G replaced by A.
Protein change: p.Gln168=; no amino-acid change (glutamine 168 retained).
Molecular consequence: synonymous variant.
Genome position (GRCh38, 1-based): chr20:10,658,658, C>T on the plus strand (G>A on the coding strand, the complement: JAG1 is on the minus strand). VCF-style: chr20-10658658-C-T. GRCh37 (hg19) VCF-style: chr20-10639306-C-T.
Identifiers: ClinVar variation 3343098 (VCV003343098.2).
Genomic context (GRCh38, chr20:10,658,658, plus strand): 5'-ATCACAGGTCACGCGGATCTGATACTCAAAGTGGGCAACGCCCGTGTTCTGCTTCAGCGT[C>T]TGCCACTGCCGGCTGGGGTTGATCATGCCCGAGTGAGAAGCCTTTTCAATAATACTGTCA-3'
Protein context (NP_000205.1, residues 158-178): SGMINPSRQW[Gln168=]TLKQNTGVAH